The following is an entry in ClinVar:

NM_002180.2(IGHMBP2):c.-68T>C

Gene: IGHMBP2 (immunoglobulin mu DNA binding protein 2; plus strand). Cytogenetic location: 11q13.3.
Variant type: single nucleotide variant.
Coding change: c.-68T>C on transcript NM_002180.2; 68 bases upstream of the start codon, T replaced by C.
Genome position (GRCh38, 1-based): chr11:68,903,885, T>C. VCF-style: chr11-68903885-T-C. GRCh37 (hg19) VCF-style: chr11-68671353-T-C.
Identifiers: ClinVar variation 305827 (VCV000305827.8), dbSNP rs57258566, ClinGen allele CA10631426.
Genomic context (GRCh38, chr11:68,903,885, plus strand): 5'-CCGGAAACGGAAACGACGCGAACCGCGTGCGTAACGCACGGGCCCGGCGGGGAACACCGG[T>C]CCGCTGTAACACCGGCCCGGCGCAGAAGCGGGACGTCGGCTTCTAGGGGCCCAGGCCGGC-3'

ClinVar aggregate classification (germline): Benign. Review status: criteria provided, multiple submitters, no conflicts (2 of 4 stars). 2 submissions from 2 submitters: Benign (2). Last evaluated 2018-01-13.

Conditions:
Autosomal recessive distal spinal muscular atrophy 1. Also called: SEVERE INFANTILE AXONAL NEUROPATHY WITH RESPIRATORY FAILURE; SPINAL MUSCULAR ATROPHY, DIAPHRAGMATIC; NEURONOPATHY, DISTAL HEREDITARY MOTOR, HARDING TYPE VI; NEUROPATHY, DISTAL HEREDITARY MOTOR, AUTOSOMAL RECESSIVE 1; Spinal muscular atrophy with respiratory distress 1; HMN VI. Identifiers: Orphanet 98920, MedGen C1858517, MONDO:0011436, OMIM 604320.

Allele frequency attached by ClinVar (database versions not stated): gnomAD exomes 0.00227; gnomAD 0.01836 and 0.01725; 1000 Genomes Project 30x 0.01936; TOPMed 0.01959; 1000 Genomes Project 0.01717.

Submissions (2):

Illumina Laboratory Services, Illumina
Classification: Benign for Autosomal recessive distal spinal muscular atrophy 1. Last evaluated: 2018-01-13. Review status: criteria provided, single submitter. Criteria: ICSL Variant Classification Criteria 13 December 2019. Collection method: clinical testing. Allele origin: germline.
Comment: This variant was observed in the ICSL laboratory as part of a predisposition screen in an ostensibly healthy population. It had not been previously curated by ICSL or reported in the Human Gene Mutation Database (HGMD: prior to June 1st, 2018), and was therefore a candidate for classification through an automated scoring system. Utilizing variant allele frequency, disease prevalence and penetrance estimates, and inheritance mode, an automated score was calculated to assess if this variant is too frequent to cause the disease. Based on the score and internal cut-off values, a variant classified as benign is not then subjected to further curation. The score for this variant resulted in a classification of benign for this disease.

Breakthrough Genomics
Classification: Benign. Review status: criteria provided, single submitter. Criteria: ACMG Guidelines, 2015. Collection method: not provided. Allele origin: germline. Inheritance: Autosomal recessive inheritance. Affected: yes.